The following is an entry in ClinVar:

NM_015338.6(ASXL1):c.3422A>C (p.Asp1141Ala)

Gene: ASXL1 (ASXL transcriptional regulator 1; plus strand). Cytogenetic location: 20q11.21.
Variant type: single nucleotide variant.
Coding change: c.3422A>C on transcript NM_015338.6 (MANE Select); coding-DNA position 3422, A replaced by C.
Protein change: p.Asp1141Ala; replaces aspartic acid 1141 with alanine.
Molecular consequence: missense variant.
Genome position (GRCh38, 1-based): chr20:32,436,134, A>C. VCF-style: chr20-32436134-A-C. GRCh37 (hg19) VCF-style: chr20-31023937-A-C.
Other names: c.3239A>C, p.Asp1080Ala (NM_001363734.1); short protein forms D1080A, D1141A.
Identifiers: ClinVar variation 1896735 (VCV001896735.5), dbSNP rs765294324, ClinGen allele CA9808817.

ClinVar aggregate classification (germline): Conflicting classifications of pathogenicity. Review status: criteria provided, conflicting classifications (1 of 4 stars). 2 submissions from 2 submitters: Uncertain significance (1); Likely benign (1). Last evaluated 2025-10-14.

Conditions:
Inborn genetic diseases. Identifiers: MedGen C0950123, MeSH D030342.

Allele frequency attached by ClinVar (database versions not stated): gnomAD exomes below 0.00001; ExAC 0.00002; TOPMed 0.00002.
gnomAD v4.1: 6 of 1,614,200 alleles (0.00037%); highest among the groups gnomAD compares: Admixed American, 0.01%; no homozygotes.

Submissions (2):

Ambry Genetics
Classification: Likely benign for Inborn genetic diseases. Last evaluated: 2025-10-14. Review status: criteria provided, single submitter. Criteria: Ambry Variant Classification Scheme 2023. Collection method: clinical testing. Allele origin: germline.

Labcorp Genetics (formerly Invitae), Labcorp
Classification: Uncertain significance. Last evaluated: 2023-12-18. Review status: criteria provided, single submitter. Criteria: Invitae Variant Classification Sherloc (09022015). Collection method: clinical testing. Allele origin: germline.
Comment: This sequence change replaces aspartic acid, which is acidic and polar, with alanine, which is neutral and non-polar, at codon 1141 of the ASXL1 protein (p.Asp1141Ala). This variant is present in population databases (rs765294324, gnomAD 0.01%). This variant has not been reported in the literature in individuals affected with ASXL1-related conditions. ClinVar contains an entry for this variant (Variation ID: 1896735). An algorithm developed to predict the effect of missense changes on protein structure and function (PolyPhen-2) suggests that this variant¬†is likely to be tolerated. In summary, the available evidence is currently insufficient to determine the role of this variant in disease. Therefore, it has been classified as a Variant of Uncertain Significance.